The following is an entry in ClinVar:

ClinVar aggregate classification (germline): Uncertain significance (1 of 4 stars; one submission).

Submission:

Ambry Genetics
Classification: Uncertain significance. Last evaluated: 2025-01-02. Review status: criteria provided, single submitter. Criteria: Ambry Variant Classification Scheme 2023. Collection method: clinical testing. Allele origin: germline.
Comment: The c.51_63del13 variant, located in coding exon 1 of the ATRIP gene, results from a deletion of 13 nucleotides at nucleotide positions 51 to 63, causing a translational frameshift with a predicted alternate stop codon (p.P18Rfs*50). This alteration is expected to result in loss of function by premature protein truncation or nonsense-mediated mRNA decay. The evidence for this gene-disease relationship is limited; therefore, the clinical significance of this alteration is unclear.

NM_130384.3(ATRIP):c.51_63del (p.Pro18fs)

Genes: ATRIP (ATR interacting protein; plus strand), ATRIP-TREX1 (ATRIP-TREX1 readthrough; plus strand), LOC129936703 (ATAC-STARR-seq lymphoblastoid silent region 14331; plus strand). Cytogenetic location: 3p21.31.
Variant type: Deletion.
Coding change: c.51_63del on transcript NM_130384.3 (MANE Select); coding-DNA positions 51 to 63, 13 bases deleted (GCCTCGCCCCGGC).
Protein change: p.Pro18fs; shifts the reading frame from proline 18.
Molecular consequence: frameshift variant. On other transcripts: non-coding transcript variant (1), intron variant (1).
Genome position (GRCh38, 1-based): chr3:48,446,896-48,446,908, GCCTCGCCCCGGC deleted; deleting any 13 consecutive bases within chr3:48,446,889-48,446,908 gives the same sequence; the c. name uses the placement nearest the transcript's 3' end. VCF-style (leftmost placement, unchanged base first): chr3-48446888-CCCCCGGCGCCTCG-C. GRCh37 (hg19) VCF-style: chr3-48488292-CCCCCGGCGCCTCG-C.
Other names: c.51_63del, p.Pro18fs (NM_032166.4); c.-218+97_-218+109del (NM_001271022.2); short protein forms P18fs.
Identifiers: ClinVar variation 3809473 (VCV003809473.1).
Genomic context (GRCh38, chr3:48,446,888, plus strand): 5'-TTGGGGTGAGCGGAAAGCATGGCGGGGACCTCCGCGCCAGGCAGCAAGAGGCGGAGCGAG[CCCCCGGCGCCTCG>C]CCCCGGCCCGCCGCCGGGCACCGGGCACCCCCCGAGCAAGCGGGCCCGGGGCTTCTCCGC-3'